The following is an entry in ClinVar:

ClinVar aggregate classification (germline): Uncertain significance (1 of 4 stars; one submission).

Allele frequency attached by ClinVar (database versions not stated): gnomAD exomes below 0.00001; TOPMed 0.00001.
gnomAD v4.1: 2 of 1,614,124 alleles (0.00012%); highest among the groups gnomAD compares: Non-Finnish European, 0.00017%; no homozygotes.

Submission:

Labcorp Genetics (formerly Invitae), Labcorp
Classification: Uncertain significance. Last evaluated: 2023-11-13. Review status: criteria provided, single submitter. Criteria: Invitae Variant Classification Sherloc (09022015). Collection method: clinical testing. Allele origin: germline.
Comment: This sequence change replaces alanine, which is neutral and non-polar, with valine, which is neutral and non-polar, at codon 3912 of the KMT2C protein (p.Ala3912Val). This variant is not present in population databases (gnomAD no frequency). This variant has not been reported in the literature in individuals affected with KMT2C-related conditions. An algorithm developed to predict the effect of missense changes on protein structure and function (PolyPhen-2) suggests that this variant is likely to be tolerated. In summary, the available evidence is currently insufficient to determine the role of this variant in disease. Therefore, it has been classified as a Variant of Uncertain Significance.

NM_170606.3(KMT2C):c.11735C>T (p.Ala3912Val)

Gene: KMT2C (lysine methyltransferase 2C; minus strand). Cytogenetic location: 7q36.1.
Variant type: single nucleotide variant.
Coding change: c.11735C>T on transcript NM_170606.3 (MANE Select); coding-DNA position 11735, C replaced by T.
Protein change: p.Ala3912Val; replaces alanine 3912 with valine.
Molecular consequence: missense variant.
Genome position (GRCh38, 1-based): chr7:152,156,282, G>A on the plus strand (C>T on the coding strand, the complement: KMT2C is on the minus strand). VCF-style: chr7-152156282-G-A. GRCh37 (hg19) VCF-style: chr7-151853367-G-A.
Other names: short protein forms A3912V.
Identifiers: ClinVar variation 2695392 (VCV002695392.3), dbSNP rs2092039968, ClinGen allele CA370098183.